The following is an entry in ClinVar:

ClinVar aggregate classification (germline): Uncertain significance (1 of 4 stars; one submission).

Submission:

GeneDx
Classification: Uncertain significance. Last evaluated: 2023-12-14. Review status: criteria provided, single submitter. Criteria: GeneDx Variant Classification Process June 2021. Collection method: clinical testing. Allele origin: germline.
Comment: Not observed at significant frequency in large population cohorts (gnomAD); Canonical splice site variant in a gene or region of a gene for which loss of function is not a well-established mechanism of disease; Has not been previously published as pathogenic or benign to our knowledge; Variants in candidate genes are classified as variants of uncertain significance in accordance with ACMG guidelines (PMID: 25741868)

NM_002332.3(LRP1):c.2671+1G>T

Gene: LRP1 (LDL receptor related protein 1; plus strand). Cytogenetic location: 12q13.3.
Variant type: single nucleotide variant.
Coding change: c.2671+1G>T on transcript NM_002332.3 (MANE Select); the canonical splice donor site of the intron after coding-DNA position 2671, G replaced by T.
Molecular consequence: splice donor variant.
Genome position (GRCh38, 1-based): chr12:57,165,946, G>T. VCF-style: chr12-57165946-G-T. GRCh37 (hg19) VCF-style: chr12-57559729-G-T.
Identifiers: ClinVar variation 4976667 (VCV004976667.1).